The following is an entry in ClinVar:

ClinVar aggregate classification (germline): Uncertain significance. Review status: criteria provided, multiple submitters, no conflicts (2 of 4 stars). 2 submissions from 2 submitters: Uncertain significance (2). Last evaluated 2023-05-09.

Submissions (2):

GeneDx
Classification: Uncertain significance. Last evaluated: 2023-05-09. Review status: criteria provided, single submitter. Criteria: GeneDx Variant Classification Process June 2021. Collection method: clinical testing. Allele origin: germline. Affected: yes.
Comment: In-frame deletion of 1 amino acid in a non-repeat region; Not observed at significant frequency in large population cohorts (gnomAD); In silico analysis supports that this variant does not alter protein structure/function; Has not been previously published as pathogenic or benign to our knowledge

Blueprint Genetics
Classification: Uncertain significance. Last evaluated: 2023-01-24. Review status: criteria provided, single submitter. Criteria: ACMG Guidelines, 2015. Collection method: clinical testing. Allele origin: germline.

NM_001009944.3(PKD1):c.11835GGC[1] (p.Ala3947del)

Gene: PKD1 (polycystin 1, transient receptor potential channel interacting; minus strand). Cytogenetic location: 16p13.3.
Variant type: Microsatellite.
Coding change: c.11835GGC[1] on transcript NM_001009944.3 (MANE Select); one copy of the 3-base unit GGC starting at c.11835; the reference has two copies in a row; one copy, 3 bases deleted; also written c.11838_11840del.
Protein change: p.Ala3947del; deletes alanine 3947.
Molecular consequence: inframe deletion. On other transcripts: inframe indel (2).
Genome position (GRCh38, 1-based): chr16:2,091,047-2,091,049, GCC deleted on the plus strand (GGC on the coding strand, the reverse complement: PKD1 is on the minus strand); deleting any 3 consecutive bases within chr16:2,091,047-2,091,053 gives the same sequence; the position shown is the placement nearest the transcript's 3' end. VCF-style (leftmost placement, unchanged base first): chr16-2091046-GGCC-G. GRCh37 (hg19) VCF-style: chr16-2141047-GGCC-G.
Other names: c.11832GGC[1], p.Ala3946del (NM_000296.4); c.11834_11836CGG[1], p.Ala3947del (NM_001009944.2); c.11838_11840del (NM_001009944.2); short protein forms A3946del, A3947del.
Identifiers: ClinVar variation 2663175 (VCV002663175.2), dbSNP rs2544598929, ClinGen allele CA2695197396.